The following is an entry in ClinVar:

NM_203486.3(DLL3):c.1319A>T (p.His440Leu)

Gene: DLL3 (delta like canonical Notch ligand 3; plus strand). Cytogenetic location: 19q13.2.
Variant type: single nucleotide variant.
Coding change: c.1319A>T on transcript NM_203486.3 (MANE Select); coding-DNA position 1319, A replaced by T.
Protein change: p.His440Leu; replaces histidine 440 with leucine.
Molecular consequence: missense variant.
Genome position (GRCh38, 1-based): chr19:39,507,264, A>T. VCF-style: chr19-39507264-A-T. GRCh37 (hg19) VCF-style: chr19-39997904-A-T.
Other names: c.1319A>T, p.His440Leu (NM_016941.4); c.1319A>T (NM_016941.3); short protein forms H440L.
Identifiers: ClinVar variation 2418238 (VCV002418238.6), dbSNP rs780000990, ClinGen allele CA9432407.

ClinVar aggregate classification (germline): Uncertain significance. Review status: criteria provided, multiple submitters, no conflicts (2 of 4 stars). 2 submissions from 2 submitters: Uncertain significance (2). Last evaluated 2025-06-03.

Conditions:
Inborn genetic diseases. Identifiers: MedGen C0950123, MeSH D030342.

Allele frequency attached by ClinVar (database versions not stated): 1000 Genomes Project 30x 0.00016.
gnomAD v4.1: 87 of 1,529,640 alleles (0.0057%); highest among the groups gnomAD compares: Non-Finnish European, 0.0074%; no homozygotes.

Submissions (2):

Ambry Genetics
Classification: Uncertain significance for Inborn genetic diseases. Last evaluated: 2025-06-03. Review status: criteria provided, single submitter. Criteria: Ambry Variant Classification Scheme 2023. Collection method: clinical testing. Allele origin: germline.

Labcorp Genetics (formerly Invitae), Labcorp
Classification: Uncertain significance. Last evaluated: 2024-04-10. Review status: criteria provided, single submitter. Criteria: Invitae Variant Classification Sherloc (09022015). Collection method: clinical testing. Allele origin: germline.
Comment: This sequence change replaces histidine, which is basic and polar, with leucine, which is neutral and non-polar, at codon 440 of the DLL3 protein (p.His440Leu). This variant is present in population databases (rs780000990, gnomAD 0.007%). This variant has not been reported in the literature in individuals affected with DLL3-related conditions. ClinVar contains an entry for this variant (Variation ID: 2418238). An algorithm developed to predict the effect of missense changes on protein structure and function (PolyPhen-2) suggests that this variant is likely to be disruptive. In summary, the available evidence is currently insufficient to determine the role of this variant in disease. Therefore, it has been classified as a Variant of Uncertain Significance.